The following is an entry in ClinVar:

ClinVar aggregate classification (germline): Uncertain significance (1 of 4 stars; one submission).

Conditions:
Familial cancer of breast. Also called: BREAST CANCER, FAMILIAL; Hereditary breast cancer; hereditary breast carcinoma. Identifiers: Orphanet 227535, MedGen C0346153, MONDO:0016419, OMIM 114480. Disease mechanism: loss of function.
Fanconi anemia complementation group J. Also called: BRIP1-Related Fanconi Anemia. Identifiers: Orphanet 84, MedGen C1836860, MONDO:0012187, OMIM 609054.

Submission:

Labcorp Genetics (formerly Invitae), Labcorp
Classification: Uncertain significance for Familial cancer of breast; Fanconi anemia complementation group J. Last evaluated: 2021-09-16. Review status: criteria provided, single submitter. Criteria: Invitae Variant Classification Sherloc (09022015). Collection method: clinical testing. Allele origin: germline.
Comment: In summary, the available evidence is currently insufficient to determine the role of this variant in disease. Therefore, it has been classified as a Variant of Uncertain Significance. Algorithms developed to predict the effect of missense changes on protein structure and function are either unavailable or do not agree on the potential impact of this missense change (SIFT: "Deleterious"; PolyPhen-2: "Probably Damaging"; Align-GVGD: "Class C15"). This variant has not been reported in the literature in individuals affected with BRIP1-related conditions. This variant is not present in population databases (ExAC no frequency). This sequence change replaces aspartic acid with tyrosine at codon 303 of the BRIP1 protein (p.Asp303Tyr). The aspartic acid residue is weakly conserved and there is a large physicochemical difference between aspartic acid and tyrosine.

NM_032043.3(BRIP1):c.907G>T (p.Asp303Tyr)

Gene: BRIP1 (BRCA1 interacting DNA helicase 1; minus strand). Cytogenetic location: 17q23.2.
Variant type: single nucleotide variant.
Coding change: c.907G>T on transcript NM_032043.3 (MANE Select); coding-DNA position 907, G replaced by T.
Protein change: p.Asp303Tyr; replaces aspartic acid 303 with tyrosine.
Molecular consequence: missense variant.
Genome position (GRCh38, 1-based): chr17:61,808,478, C>A on the plus strand (G>T on the coding strand, the complement: BRIP1 is on the minus strand). VCF-style: chr17-61808478-C-A. GRCh37 (hg19) VCF-style: chr17-59885839-C-A.
Other names: short protein forms D303Y.
Identifiers: ClinVar variation 1450485 (VCV001450485.7), dbSNP rs2145410870, ClinGen allele CA400484658.